The following is an entry in ClinVar:

NM_138713.4(NFAT5):c.4309G>C (p.Ala1437Pro)

Gene: NFAT5 (nuclear factor of activated T cells 5; plus strand). Cytogenetic location: 16q22.1.
Variant type: single nucleotide variant.
Coding change: c.4309G>C on transcript NM_138713.4 (MANE Select); coding-DNA position 4309, G replaced by C.
Protein change: p.Ala1437Pro; replaces alanine 1437 with proline.
Molecular consequence: missense variant.
Genome position (GRCh38, 1-based): chr16:69,694,134, G>C. VCF-style: chr16-69694134-G-C. GRCh37 (hg19) VCF-style: chr16-69728037-G-C.
Other names: c.4027G>C, p.Ala1343Pro (NM_138714.4, NM_173214.3, NM_173215.3); c.4306G>C, p.Ala1436Pro (NM_001113178.3); c.3634G>C, p.Ala1212Pro (NM_001367709.1); c.4255G>C, p.Ala1419Pro (NM_006599.4); short protein forms A1212P, A1343P, A1419P, A1436P, A1437P.
Identifiers: ClinVar variation 3607138 (VCV003607138.2).
Genomic context (GRCh38, chr16:69,694,134, plus strand): 5'-TATTCCCCTCAGAACAACATGCCTGGAATTCAAGGAGCCACATCTTCGCCTCAACCACAG[G>C]CTACTTTATTTCACAACACAGCAGGAGGCACAATGAACCAACTGCAGAATTCTCCTGGCT-3'
Protein context (NP_619727.2, residues 1427-1447): QGATSSPQPQ[Ala1437Pro]TLFHNTAGGT

ClinVar aggregate classification (germline): Uncertain significance (1 of 4 stars; one submission).

Conditions:
Immunodeficiency. Identifiers: MedGen C0021051, MONDO:0021094, HP:0002721.

gnomAD v4.1: 8 of 1,613,992 alleles (0.0005%); highest among the groups gnomAD compares: Non-Finnish European, 0.00068%; no homozygotes.

Submission:

Labcorp Genetics (formerly Invitae), Labcorp
Classification: Uncertain significance for Immunodeficiency. Last evaluated: 2024-09-16. Review status: criteria provided, single submitter. Criteria: Invitae Variant Classification Sherloc (09022015). Collection method: clinical testing. Allele origin: germline.
Comment: This sequence change replaces alanine, which is neutral and non-polar, with proline, which is neutral and non-polar, at codon 1343 of the NFAT5 protein (p.Ala1343Pro). This variant is present in population databases (no rsID available, gnomAD 0.0009%). This variant has not been reported in the literature in individuals affected with NFAT5-related conditions. An algorithm developed to predict the effect of missense changes on protein structure and function outputs the following: PolyPhen-2: "Benign". The proline amino acid residue is found in multiple mammalian species, which suggests that this missense change does not adversely affect protein function. In summary, the available evidence is currently insufficient to determine the role of this variant in disease. Therefore, it has been classified as a Variant of Uncertain Significance.